The following is an entry in ClinVar:

ClinVar aggregate classification (germline): Uncertain significance (1 of 4 stars; one submission).

Submission:

Labcorp Genetics (formerly Invitae), Labcorp
Classification: Uncertain significance. Last evaluated: 2018-03-21. Review status: criteria provided, single submitter. Criteria: Invitae Variant Classification Sherloc (09022015). Collection method: clinical testing. Allele origin: germline.
Comment: The current clinical and genetic evidence is not sufficient to establish whether loss-of-function variants in XRCC2 cause disease. In summary, the available evidence is currently insufficient to determine the role of this variant in disease. Therefore, it has been classified as a Variant of Uncertain Significance. This variant has not been reported in the literature in individuals with XRCC2-related disease. This variant is not present in population databases (ExAC no frequency). This variant is a complex sequence change that results in the inversion of the genomic region encompassing part of exon 3 (c.122-1899_627inv), and affects an acceptor splice site in the last intron (intron 2) of the XRCC2 gene. While this is not anticipated to result in nonsense mediated decay, it likely alters RNA splicing and results in a disrupted protein product.

NM_005431.2(XRCC2):c.122-1899_627inv

Gene: XRCC2 (X-ray repair cross complementing 2; minus strand). Cytogenetic location: 7q36.1.
Variant type: Inversion.
Coding change: c.122-1899_627inv on transcript NM_005431.2 (MANE Select).
Molecular consequence: splice acceptor variant.
Genome position: GRCh38: chr7:152,648,858-152,651,262. GRCh37 (hg19): chr7:152,345,943-152,348,347.
Identifiers: ClinVar variation 1053415 (VCV001053415.7), ClinGen allele CA2499218837.